The following is an entry in ClinVar:

ClinVar aggregate classification (germline): Uncertain significance. Review status: criteria provided, multiple submitters, no conflicts (2 of 4 stars). 2 submissions from 2 submitters: Uncertain significance (2). Last evaluated 2021-10-04.

Allele frequency attached by ClinVar (database versions not stated): ExAC 0.00005; TOPMed below 0.00001; gnomAD 0.00001; gnomAD exomes 0.00004.
gnomAD v4.1: 31 of 1,551,056 alleles (0.002%); highest among the groups gnomAD compares: Admixed American, 0.012%; no homozygotes.

Submissions (2):

Labcorp Genetics (formerly Invitae), Labcorp
Classification: Uncertain significance. Last evaluated: 2021-10-04. Review status: criteria provided, single submitter. Criteria: Invitae Variant Classification Sherloc (09022015). Collection method: clinical testing. Allele origin: germline.
Comment: In summary, the available evidence is currently insufficient to determine the role of this variant in disease. Therefore, it has been classified as a Variant of Uncertain Significance. Algorithms developed to predict the effect of missense changes on protein structure and function (SIFT, PolyPhen-2, Align-GVGD) all suggest that this variant is likely to be tolerated. ClinVar contains an entry for this variant (Variation ID: 595268). This variant has not been reported in the literature in individuals affected with ABCG8-related conditions. This variant is present in population databases (rs760005338, ExAC 0.01%). This sequence change replaces proline with leucine at codon 12 of the ABCG8 protein (p.Pro12Leu). The proline residue is weakly conserved and there is a moderate physicochemical difference between proline and leucine.

Eurofins Ntd Llc (ga)
Classification: Uncertain significance. Last evaluated: 2017-12-06. Review status: criteria provided, single submitter. Criteria: EGL Classification Definitions 2015. Collection method: clinical testing. Allele origin: germline. Observed: 1 variant allele, 1 heterozygote.

NM_022437.3(ABCG8):c.35C>T (p.Pro12Leu)

Genes: ABCG5 (ATP binding cassette subfamily G member 5; minus strand), ABCG8 (ATP binding cassette subfamily G member 8; plus strand). Cytogenetic location: 2p21.
Variant type: single nucleotide variant.
Coding change: c.35C>T on transcript NM_022437.3 (MANE Select); coding-DNA position 35, C replaced by T.
Protein change: p.Pro12Leu; replaces proline 12 with leucine.
Molecular consequence: missense variant.
Genome position (GRCh38, 1-based): chr2:43,839,088, C>T. VCF-style: chr2-43839088-C-T. GRCh37 (hg19) VCF-style: chr2-44066227-C-T.
Other names: c.35C>T, p.Pro12Leu (NM_001357321.2); short protein forms P12L.
Identifiers: ClinVar variation 595268 (VCV000595268.9), dbSNP rs760005338, ClinGen allele CA1636855.